The following is an entry in ClinVar:

NM_005445.4(SMC3):c.350C>T (p.Thr117Met)

Gene: SMC3 (structural maintenance of chromosomes 3; plus strand). Cytogenetic location: 10q25.2.
Variant type: single nucleotide variant.
Coding change: c.350C>T on transcript NM_005445.4 (MANE Select); coding-DNA position 350, C replaced by T.
Protein change: p.Thr117Met; replaces threonine 117 with methionine.
Molecular consequence: missense variant.
Genome position (GRCh38, 1-based): chr10:110,577,914, C>T. VCF-style: chr10-110577914-C-T. GRCh37 (hg19) VCF-style: chr10-112337672-C-T.
Other names: short protein forms T117M.
Identifiers: ClinVar variation 3675132 (VCV003675132.6).
Genomic context (GRCh38, chr10:110,577,914, plus strand): 5'-CACTTCGAAGAGTTATTGGTGCCAAAAAGGATCAGTATTTCTTAGACAAGAAGATGGTCA[C>T]GTAAGCATTTTTCTTTTTTTTAAAAAAACTGAATATGTACTTAAATAGAGATGGGGTATT-3'
Protein context (NP_005436.1, residues 107-127): DQYFLDKKMV[Thr117Met]KNDVMNLLES

ClinVar aggregate classification (germline): Uncertain significance. Review status: criteria provided, multiple submitters, no conflicts (2 of 4 stars). 2 submissions from 2 submitters: Uncertain significance (2). Last evaluated 2026-03-01.

Conditions:
Cornelia de Lange syndrome 3 (CDLS3). Also called: SMC3-Related Cornelia de Lange Syndrome; CORNELIA DE LANGE SYNDROME 3 WITH OR WITHOUT MIDLINE BRAIN DEFECTS. Identifiers: Orphanet 199, MedGen C1853099, MONDO:0012555, OMIM 610759.

gnomAD v4.1: 1 of 1,603,370 alleles (0.000062%); highest among the groups gnomAD compares: Non-Finnish European, 0.000085%; no homozygotes.

Submissions (2):

CeGaT Center for Human Genetics Tuebingen
Classification: Uncertain significance. Last evaluated: 2026-03-01. Review status: criteria provided, single submitter. Criteria: CeGaT Center For Human Genetics Tuebingen Variant Classification Criteria Version 2. Collection method: clinical testing. Allele origin: germline. Affected: yes. Observed: 1 variant allele.
Comment: SMC3: PP2

Labcorp Genetics (formerly Invitae), Labcorp
Classification: Uncertain significance for Cornelia de Lange syndrome 3. Last evaluated: 2024-03-06. Review status: criteria provided, single submitter. Criteria: Invitae Variant Classification Sherloc (09022015). Collection method: clinical testing. Allele origin: germline.
Comment: This sequence change replaces threonine, which is neutral and polar, with methionine, which is neutral and non-polar, at codon 117 of the SMC3 protein (p.Thr117Met). This variant is not present in population databases (gnomAD no frequency). This variant has not been reported in the literature in individuals affected with SMC3-related conditions. An algorithm developed to predict the effect of missense changes on protein structure and function (PolyPhen-2) suggests that this variant is likely to be disruptive. In summary, the available evidence is currently insufficient to determine the role of this variant in disease. Therefore, it has been classified as a Variant of Uncertain Significance.